The following is an entry in ClinVar:

ClinVar aggregate classification (germline): Benign/Likely benign. Review status: criteria provided, multiple submitters, no conflicts (2 of 4 stars). 3 submissions from 3 submitters: Benign (1); Likely benign (2). Last evaluated 2026-05-20.

Conditions:
Hereditary cancer-predisposing syndrome. Also called: Neoplastic Syndromes, Hereditary; Hereditary Cancer Syndrome; Hereditary neoplastic syndrome; Tumor predisposition. Identifiers: Orphanet 140162, MedGen C0027672, MeSH D009386, MONDO:0015356.
Cardiovascular phenotype. Identifiers: MedGen CN230736.
Neurofibromatosis, type 1 (NF1). Also called: Neurofibromatosis, type I; NEUROFIBROMATOSIS, TYPE I, SOMATIC; Peripheral type neurofibromatosis; VON RECKLINGHAUSEN DISEASE. Identifiers: Orphanet 636, MedGen C0027831, MONDO:0018975, OMIM 162200. Disease mechanism: loss of function.

Allele frequency attached by ClinVar (database versions not stated): TOPMed below 0.00001; gnomAD exomes below 0.00001; ExAC 0.00001; gnomAD 0.00001.
gnomAD v4.1: 3 of 1,614,034 alleles (0.00019%); highest among the groups gnomAD compares: Non-Finnish European, 0.00025%; no homozygotes.

Submissions (3):

Myriad Genetics, Inc.
Classification: Benign for Neurofibromatosis, type 1. Last evaluated: 2026-05-20. Review status: criteria provided, single submitter. Criteria: Myriad Autosomal Dominant, Autosomal Recessive and X-Linked Classification Criteria (2023). Collection method: clinical testing. Allele origin: unknown.
Comment: This variant is considered benign. This variant is a silent/synonymous amino acid change and it is not expected to impact splicing.

Labcorp Genetics (formerly Invitae), Labcorp
Classification: Likely benign for Neurofibromatosis, type 1. Last evaluated: 2025-10-08. Review status: criteria provided, single submitter. Criteria: Invitae Variant Classification Sherloc (09022015). Collection method: clinical testing. Allele origin: germline.

Ambry Genetics
Classification: Likely benign for Cardiovascular phenotype; Hereditary cancer-predisposing syndrome. Last evaluated: 2019-03-01. Review status: criteria provided, single submitter. Criteria: Ambry Variant Classification Scheme 2023. Collection method: clinical testing. Allele origin: germline.

NM_001042492.3(NF1):c.5556G>A (p.Gly1852=)

Gene: NF1 (neurofibromin 1; plus strand). Cytogenetic location: 17q11.2.
Variant type: single nucleotide variant.
Coding change: c.5556G>A on transcript NM_001042492.3 (MANE Select); coding-DNA position 5556, G replaced by A.
Protein change: p.Gly1852=; no amino-acid change (glycine 1852 retained).
Molecular consequence: synonymous variant.
Genome position (GRCh38, 1-based): chr17:31,327,786, G>A. VCF-style: chr17-31327786-G-A. GRCh37 (hg19) VCF-style: chr17-29654804-G-A.
Other names: c.5493G>A, p.Gly1831= (NM_000267.4).
Identifiers: ClinVar variation 527657 (VCV000527657.14), dbSNP rs763146785, ClinGen allele CA8487189.